The following is an entry in ClinVar:

NM_007078.3(LDB3):c.1330G>A (p.Ala444Thr)

Gene: LDB3 (LIM domain binding 3; plus strand). Cytogenetic location: 10q23.2.
Variant type: single nucleotide variant.
Coding change: c.1330G>A on transcript NM_007078.3 (MANE Select); coding-DNA position 1330, G replaced by A.
Protein change: p.Ala444Thr; replaces alanine 444 with threonine.
Molecular consequence: missense variant.
Genome position (GRCh38, 1-based): chr10:86,716,425, G>A. VCF-style: chr10-86716425-G-A. GRCh37 (hg19) VCF-style: chr10-88476182-G-A.
Other names: c.1000G>A, p.Ala334Thr (NM_001080114.2); c.1345G>A, p.Ala449Thr (NM_001171610.2); c.1141G>A, p.Ala381Thr (NM_001368064.1, NM_001368065.1); c.1189G>A, p.Ala397Thr (NM_001368066.1); short protein forms A334T, A444T, A449T, A381T, A397T.
Identifiers: ClinVar variation 192189 (VCV000192189.1), dbSNP rs786205350, ClinGen allele CA200008.

ClinVar aggregate classification (germline): Benign (1 of 4 stars; one submission).

Submission:

Biesecker Lab/Clinical Genomics Section, National Institutes of Health
Classification: Benign. Last evaluated: 2013-06-24. Review status: criteria provided, single submitter. Criteria: Ng et al. (Circ Cardiovasc Genet. 2013). Collection method: research. Allele origin: unknown. Observed: 1 variant allele. Study: ClinSeq.
Comment: The study set was not selected for affection status in relation to any cancer. Pathogenicity categories were based on literature curation. See Pubmed ID:23861362 for details.

Medical sequencing